The following is an entry in ClinVar:

ClinVar aggregate classification (germline): Pathogenic (1 of 4 stars; one submission).

Conditions:
Hereditary breast ovarian cancer syndrome. Also called: Hereditary breast and/or ovarian cancer syndrome; Hereditary breast and ovarian cancer syndrome; Hereditary breast and ovarian cancer syndrome (HBOC); Breast and ovarian cancer; BRCA1- and BRCA2-Associated Hereditary Breast and Ovarian Cancer; Hereditary breast and ovarian cancer. Identifiers: Orphanet 145, MedGen C0677776, MeSH D061325, MONDO:0003582. Disease mechanism: loss of function.

Submission:

Women's Health and Genetics/Laboratory Corporation of America, LabCorp
Classification: Pathogenic for Hereditary breast ovarian cancer syndrome. Last evaluated: 2026-06-08. Review status: criteria provided, single submitter. Criteria: LabCorp Variant Classification Summary - May 2015. Collection method: clinical testing. Allele origin: germline.
Comment: Variant summary: BRCA2 c.4270dupT (p.Ser1424PhefsX2) results in a premature termination codon, predicted to cause a truncation of the encoded protein or absence of the protein due to nonsense mediated decay, which are commonly known mechanisms for disease. The variant was absent in 245148 control chromosomes. To our knowledge, no occurrence of c.4270dupT in individuals affected with BRCA2-related conditions and no experimental evidence demonstrating its impact on protein function have been reported. ClinVar contains an entry for this variant (Variation ID: 495462). Based on the evidence outlined above, the variant was classified as pathogenic.

NM_000059.4(BRCA2):c.4270dup (p.Ser1424fs)

Gene: BRCA2 (BRCA2 DNA repair associated; plus strand). Cytogenetic location: 13q13.1.
Variant type: Duplication.
Coding change: c.4270dup on transcript NM_000059.4 (MANE Select); coding-DNA position 4270, one base duplicated (T; older notation c.4270dupT).
Protein change: p.Ser1424fs; shifts the reading frame from serine 1424.
Molecular consequence: frameshift variant.
Genome position (GRCh38, 1-based): chr13:32,338,625, T duplicated; the last of 2 consecutive T bases (chr13:32,338,624-32,338,625); duplicating either gives the same sequence. VCF-style (leftmost placement, unchanged base first): chr13-32338623-C-CT. GRCh37 (hg19) VCF-style: chr13-32912760-C-CT.
Other names: c.4270dupT (NM_000059.3, NM_000059.4); short protein forms S1424fs.
Identifiers: ClinVar variation 495462 (VCV000495462.2), dbSNP rs1555283672, ClinGen allele CA658683807.